The following is an entry in ClinVar:

NM_001375524.1(TRRAP):c.7966G>A (p.Ala2656Thr)

Gene: TRRAP (transformation/transcription domain associated protein; plus strand). Cytogenetic location: 7q22.1.
Variant type: single nucleotide variant.
Coding change: c.7966G>A on transcript NM_001375524.1 (MANE Select); coding-DNA position 7966, G replaced by A.
Protein change: p.Ala2656Thr; replaces alanine 2656 with threonine.
Molecular consequence: missense variant.
Genome position (GRCh38, 1-based): chr7:98,976,489, G>A. VCF-style: chr7-98976489-G-A. GRCh37 (hg19) VCF-style: chr7-98574112-G-A.
Other names: c.7945G>A, p.Ala2649Thr (NM_001244580.2); c.7891G>A, p.Ala2631Thr (NM_003496.4); c.7945G>A (NM_001244580.1); short protein forms A2656T, A2649T, A2631T.
Identifiers: ClinVar variation 1990212 (VCV001990212.5), dbSNP rs1278961365, ClinGen allele CA368301864.
Genomic context (GRCh38, chr7:98,976,489, plus strand): 5'-CAAGACTTGCCGATTTTTGAATGAAGGCCTAAATGACATGTGCTTTGGTTTCAGGCACTC[G>A]CGGGTGAGATAAGTCCATTTCTGTGCAGCGGCAGTCACCAGGTGCAGCGGGACTGCCAGC-3'
Protein context (NP_001362453.1, residues 2646-2666): ILSDRQQHAL[Ala2656Thr]GEISPFLCSG

ClinVar aggregate classification (germline): Uncertain significance. Review status: criteria provided, multiple submitters, no conflicts (2 of 4 stars). 2 submissions from 2 submitters: Uncertain significance (2). Last evaluated 2025-06-03.

Conditions:
Inborn genetic diseases. Identifiers: MedGen C0950123, MeSH D030342.

Allele frequency attached by ClinVar (database versions not stated): gnomAD 0.00001; gnomAD exomes 0.00001; TOPMed 0.00001.
gnomAD v4.1: 19 of 1,607,582 alleles (0.0012%); highest among the groups gnomAD compares: East Asian, 0.0022%; no homozygotes.

Submissions (2):

Ambry Genetics
Classification: Uncertain significance for Inborn genetic diseases. Last evaluated: 2025-06-03. Review status: criteria provided, single submitter. Criteria: Ambry Variant Classification Scheme 2023. Collection method: clinical testing. Allele origin: germline.

Labcorp Genetics (formerly Invitae), Labcorp
Classification: Uncertain significance. Last evaluated: 2023-10-03. Review status: criteria provided, single submitter. Criteria: Invitae Variant Classification Sherloc (09022015). Collection method: clinical testing. Allele origin: germline.
Comment: This sequence change replaces alanine, which is neutral and non-polar, with threonine, which is neutral and polar, at codon 2631 of the TRRAP protein (p.Ala2631Thr). This variant is present in population databases (no rsID available, gnomAD 0.006%). This variant has not been reported in the literature in individuals affected with TRRAP-related conditions. ClinVar contains an entry for this variant (Variation ID: 1990212). Advanced modeling of protein sequence and biophysical properties (such as structural, functional, and spatial information, amino acid conservation, physicochemical variation, residue mobility, and thermodynamic stability) performed at Invitae indicates that this missense variant is not expected to disrupt TRRAP protein function. In summary, the available evidence is currently insufficient to determine the role of this variant in disease. Therefore, it has been classified as a Variant of Uncertain Significance.